The following is an entry in ClinVar:

ClinVar aggregate classification (germline): Uncertain significance (1 of 4 stars; one submission).

gnomAD v4.1: 4 of 1,612,932 alleles (0.00025%); highest among the groups gnomAD compares: Admixed American, 0.0017%; no homozygotes.

Submission:

Ambry Genetics
Classification: Uncertain significance. Last evaluated: 2026-03-31. Review status: criteria provided, single submitter. Criteria: Ambry Variant Classification Scheme 2023. Collection method: clinical testing. Allele origin: germline.
Comment: The p.K211R variant (also known as c.632A>G), located in coding exon 1 of the WNK2 gene, results from an A to G substitution at nucleotide position 632. The lysine at codon 211 is replaced by arginine, an amino acid with highly similar properties. This amino acid position is conserved. In addition, this alteration is predicted to be tolerated by in silico analysis. Based on the available evidence, the clinical significance of this variant remains unclear.

NM_006648.4(WNK2):c.632A>G (p.Lys211Arg)

Gene: WNK2 (WNK lysine deficient protein kinase 2; plus strand). Cytogenetic location: 9q22.31.
Variant type: single nucleotide variant.
Coding change: c.632A>G on transcript NM_006648.4 (MANE Select); coding-DNA position 632, A replaced by G.
Protein change: p.Lys211Arg; replaces lysine 211 with arginine.
Molecular consequence: missense variant.
Genome position (GRCh38, 1-based): chr9:93,185,561, A>G. VCF-style: chr9-93185561-A-G. GRCh37 (hg19) VCF-style: chr9-95947843-A-G.
Other names: c.632A>G, p.Lys211Arg (NM_001282394.3); short protein forms K211R.
Identifiers: ClinVar variation 4866556 (VCV004866556.1).